The following is an entry in ClinVar:

ClinVar aggregate classification (germline): Likely benign. Review status: criteria provided, multiple submitters, no conflicts (2 of 4 stars). 9 submissions from 9 submitters: Likely benign (9). Last evaluated 2026-01-12.

Conditions:
Cardiovascular phenotype. Identifiers: MedGen CN230736.
Arrhythmogenic right ventricular cardiomyopathy (ARVD). Also called: Cardiomyopathy, ARVC; Arrhythmogenic right ventricular dysplasia; Arrhythmogenic Right Ventricular Cardiomyopathy (ARVC); Arrhythmogenic cardiomyopathy. Identifiers: Orphanet 247, MedGen C0349788, MeSH D019571, MONDO:0016587. Disease mechanism: loss of function. Inheritance: Various modes of inheritance.
Cardiomyopathy (CMYO). Also called: Cardiomyopathies. Identifiers: Orphanet 167848, MedGen C0878544, MONDO:0004994, HP:0001638. Inheritance: Various modes of inheritance.
Arrhythmogenic right ventricular dysplasia 10. Also called: ARRHYTHMOGENIC RIGHT VENTRICULAR DYSPLASIA, FAMILIAL, 10; Arrhythmogenic right ventricular dysplasia/cardiomyopathy, type 10; Arrhythmogenic Right Ventricular Dysplasia/Cardiomyopathy10. Identifiers: MedGen C1857777, MONDO:0012434, OMIM 610193.

Allele frequency attached by ClinVar (database versions not stated): gnomAD exomes 0.00001 and 0.00003; ExAC 0.00005; ESP Exome Variant Server 0.00009; gnomAD 0.00011; TOPMed 0.00013.
gnomAD v4.1: 35 of 1,589,052 alleles (0.0022%); highest among the groups gnomAD compares: African/African-American, 0.032%; no homozygotes.

Submissions (9):

Labcorp Genetics (formerly Invitae), Labcorp
Classification: Likely benign for Arrhythmogenic right ventricular dysplasia 10. Last evaluated: 2026-01-12. Review status: criteria provided, single submitter. Criteria: Invitae Variant Classification Sherloc (09022015). Collection method: clinical testing. Allele origin: germline.

Mayo Clinic Laboratories, Mayo Clinic
Classification: Likely benign. Last evaluated: 2025-05-14. Review status: criteria provided, single submitter. Criteria: ACMG Guidelines, 2015. Collection method: clinical testing. Allele origin: germline. Observed: 1 variant allele.
Comment: BP4, BP7

All of Us Research Program, National Institutes of Health
Classification: Likely benign for Arrhythmogenic right ventricular cardiomyopathy. Last evaluated: 2023-12-13. Review status: criteria provided, single submitter. Criteria: ACMG Guidelines, 2015. Collection method: clinical testing. Allele origin: germline. Inheritance: Autosomal dominant inheritance. Observed: 10 variant alleles, 10 heterozygotes.
Comment: This study involves interpretation of variants in research participants for the purpose of population health screening. Participant phenotype was not available at the time of variant classification. Additional details can be found in publication PMID: 35346344, PMCID: PMC8962531

Blueprint Genetics
Classification: Likely benign. Last evaluated: 2021-10-22. Review status: criteria provided, single submitter. Criteria: ACMG Guidelines, 2015. Collection method: clinical testing. Allele origin: germline.

Ambry Genetics
Classification: Likely benign for Cardiovascular phenotype. Last evaluated: 2020-12-04. Review status: criteria provided, single submitter. Criteria: Ambry Variant Classification Scheme 2023. Collection method: clinical testing. Allele origin: germline.

CHEO Genetics Diagnostic Laboratory, Children's Hospital of Eastern Ontario
Classification: Likely benign for Cardiomyopathy. Last evaluated: 2020-03-17. Review status: criteria provided, single submitter. Criteria: ACMG Guidelines, 2015. Collection method: clinical testing. Allele origin: germline.

Color Diagnostics, LLC DBA Color Health
Classification: Likely benign for Cardiomyopathy. Last evaluated: 2020-02-04. Review status: criteria provided, single submitter. Criteria: ACMG Guidelines, 2015. Collection method: clinical testing. Allele origin: germline.

Molecular Diagnostic Laboratory for Inherited Cardiovascular Disease, Montreal Heart Institute
Classification: Likely benign. Last evaluated: 2019-10-17. Review status: criteria provided, single submitter. Criteria: ACMG Guidelines, 2015. Collection method: clinical testing. Allele origin: germline. Affected: yes.

GeneDx
Classification: Likely benign. Last evaluated: 2019-08-01. Review status: criteria provided, single submitter. Criteria: GeneDx Variant Classification Process June 2021. Collection method: clinical testing. Allele origin: germline. Affected: yes.

NM_001943.5(DSG2):c.1299T>C (p.Asp433=)

Gene: DSG2 (desmoglein 2; plus strand). Cytogenetic location: 18q12.1.
Variant type: single nucleotide variant.
Coding change: c.1299T>C on transcript NM_001943.5 (MANE Select); coding-DNA position 1299, T replaced by C.
Protein change: p.Asp433=; no amino-acid change (aspartic acid 433 retained).
Molecular consequence: synonymous variant.
Genome position (GRCh38, 1-based): chr18:31,535,288, T>C. VCF-style: chr18-31535288-T-C. GRCh37 (hg19) VCF-style: chr18-29115251-T-C.
Other names: p.Asp433=; c.1299T>C (LRG_397t1).
Identifiers: ClinVar variation 514521 (VCV000514521.23), dbSNP rs367548984, ClinGen allele CA042039.